The following is an entry in ClinVar:

ClinVar aggregate classification (germline): Uncertain significance. Review status: criteria provided, multiple submitters, no conflicts (2 of 4 stars). 2 submissions from 2 submitters: Uncertain significance (2). Last evaluated 2025-07-03.

Conditions:
Inborn genetic diseases. Identifiers: MedGen C0950123, MeSH D030342.

gnomAD v4.1: 1 of 1,611,428 alleles (0.000062%); highest among the groups gnomAD compares: Non-Finnish European, 0.000085%; no homozygotes.

Submissions (2):

Ambry Genetics
Classification: Uncertain significance for Inborn genetic diseases. Last evaluated: 2025-07-03. Review status: criteria provided, single submitter. Criteria: Ambry Variant Classification Scheme 2023. Collection method: clinical testing. Allele origin: germline.

GeneDx
Classification: Uncertain significance. Last evaluated: 2022-07-08. Review status: criteria provided, single submitter. Criteria: GeneDx Variant Classification Process June 2021. Collection method: clinical testing. Allele origin: germline. Affected: yes.
Comment: Not observed at significant frequency in large population cohorts (gnomAD); In silico analysis supports that this missense variant does not alter protein structure/function; Has not been previously published as pathogenic or benign to our knowledge

NM_003470.3(USP7):c.530C>T (p.Thr177Ile)

Gene: USP7 (ubiquitin specific peptidase 7; minus strand). Cytogenetic location: 16p13.2.
Variant type: single nucleotide variant.
Coding change: c.530C>T on transcript NM_003470.3 (MANE Select); coding-DNA position 530, C replaced by T.
Protein change: p.Thr177Ile; replaces threonine 177 with isoleucine.
Molecular consequence: missense variant. On other transcripts: non-coding transcript variant (1).
Genome position (GRCh38, 1-based): chr16:8,920,440, G>A on the plus strand (C>T on the coding strand, the complement: USP7 is on the minus strand). VCF-style: chr16-8920440-G-A. GRCh37 (hg19) VCF-style: chr16-9014297-G-A.
Other names: c.482C>T, p.Thr161Ile (NM_001286457.2); c.233C>T, p.Thr78Ile (NM_001286458.2); c.356C>T, p.Thr119Ile (NM_001321858.2); c.530C>T (NM_003470.2); short protein forms T119I, T177I, T161I, T78I.
Identifiers: ClinVar variation 1810680 (VCV001810680.2), dbSNP rs769192378, ClinGen allele CA394704631.